The following is an entry in ClinVar:

ClinVar aggregate classification (germline): Pathogenic (1 of 4 stars; one submission).

Allele frequency attached by ClinVar (database versions not stated): gnomAD exomes below 0.00001.

Submission:

Labcorp Genetics (formerly Invitae), Labcorp
Classification: Pathogenic. Last evaluated: 2023-05-19. Review status: criteria provided, single submitter. Criteria: Invitae Variant Classification Sherloc (09022015). Collection method: clinical testing. Allele origin: germline.
Comment: For these reasons, this variant has been classified as Pathogenic. This variant has not been reported in the literature in individuals affected with SORL1-related conditions. This variant is present in population databases (no rsID available, gnomAD 0.01%). This sequence change creates a premature translational stop signal (p.Cys1431Trpfs*2) in the SORL1 gene. It is expected to result in an absent or disrupted protein product. Loss-of-function variants in SORL1 are known to be pathogenic (PMID: 26303663, 27026413).

Literature cited by the submitters: PubMed 26303663; PubMed 27026413.

NM_003105.6(SORL1):c.4293del (p.Cys1431fs)

Gene: SORL1 (sortilin related receptor 1; plus strand). Cytogenetic location: 11q24.1.
Variant type: Deletion.
Coding change: c.4293del on transcript NM_003105.6 (MANE Select); coding-DNA position 4293, one base deleted (C; older notation c.4293delC).
Protein change: p.Cys1431fs; shifts the reading frame from cysteine 1431.
Molecular consequence: frameshift variant.
Genome position (GRCh38, 1-based): chr11:121,591,080, C deleted. VCF-style (leftmost placement, unchanged base first): chr11-121591079-GC-G. GRCh37 (hg19) VCF-style: chr11-121461788-GC-G.
Other names: short protein forms C1431fs.
Identifiers: ClinVar variation 2865978 (VCV002865978.3), dbSNP rs1343336951, ClinGen allele CA602237454.